The following is an entry in ClinVar:

ClinVar aggregate classification (germline): Pathogenic (1 of 4 stars; one submission).

Submission:

Labcorp Genetics (formerly Invitae), Labcorp
Classification: Pathogenic. Last evaluated: 2024-07-03. Review status: criteria provided, single submitter. Criteria: Invitae Variant Classification Sherloc (09022015). Collection method: clinical testing. Allele origin: germline.
Comment: This sequence change creates a premature translational stop signal (p.Gln1252*) in the POLE gene. It is expected to result in an absent or disrupted protein product. Loss-of-function variants in POLE are known to be pathogenic (PMID: 23230001, 25948378, 30503519). This variant is not present in population databases (gnomAD no frequency). This variant has not been reported in the literature in individuals affected with POLE-related conditions. Algorithms developed to predict the effect of sequence changes on RNA splicing suggest that this variant may create or strengthen a splice site. For these reasons, this variant has been classified as Pathogenic.

Literature cited by the submitters: PubMed 23230001; PubMed 25948378; PubMed 30503519.

NM_006231.4(POLE):c.3754C>T (p.Gln1252Ter)

Gene: POLE (DNA polymerase epsilon, catalytic subunit; minus strand). Cytogenetic location: 12q24.33.
Variant type: single nucleotide variant.
Coding change: c.3754C>T on transcript NM_006231.4 (MANE Select); coding-DNA position 3754, C replaced by T.
Protein change: p.Gln1252Ter; replaces glutamine 1252 with a stop codon.
Molecular consequence: nonsense.
Genome position (GRCh38, 1-based): chr12:132,649,718, G>A on the plus strand (C>T on the coding strand, the complement: POLE is on the minus strand). VCF-style: chr12-132649718-G-A. GRCh37 (hg19) VCF-style: chr12-133226304-G-A.
Other names: short protein forms Q1252*.
Identifiers: ClinVar variation 3658589 (VCV003658589.2).